The following is an entry in ClinVar:

ClinVar aggregate classification (germline): Uncertain significance (1 of 4 stars; one submission).

Conditions:
Cardiovascular phenotype. Identifiers: MedGen CN230736.

Submission:

Ambry Genetics
Classification: Uncertain significance for Cardiovascular phenotype. Last evaluated: 2022-08-08. Review status: criteria provided, single submitter. Criteria: Ambry Variant Classification Scheme 2023. Collection method: clinical testing. Allele origin: germline.
Comment: The p.H101R variant (also known as c.302A>G), located in coding exon 2 of the RBM20 gene, results from an A to G substitution at nucleotide position 302. The histidine at codon 101 is replaced by arginine, an amino acid with highly similar properties. This amino acid position is conserved. In addition, the in silico prediction for this alteration is inconclusive. Since supporting evidence is limited at this time, the clinical significance of this alteration remains unclear.

NM_001134363.3(RBM20):c.302A>G (p.His101Arg)

Gene: RBM20 (RNA binding motif protein 20; plus strand). Cytogenetic location: 10q25.2.
Variant type: single nucleotide variant.
Coding change: c.302A>G on transcript NM_001134363.3 (MANE Select); coding-DNA position 302, A replaced by G.
Protein change: p.His101Arg; replaces histidine 101 with arginine.
Molecular consequence: missense variant.
Genome position (GRCh38, 1-based): chr10:110,780,911, A>G. VCF-style: chr10-110780911-A-G. GRCh37 (hg19) VCF-style: chr10-112540669-A-G.
Other names: short protein forms H101R.
Identifiers: ClinVar variation 1799001 (VCV001799001.2), dbSNP rs2493409294, ClinGen allele CA378379464.
Genomic context (GRCh38, chr10:110,780,911, plus strand): 5'-CTCTGCTTCCTTCACCTGCCAGTCTCCAGCTGGCTCAACTGCAGGCCCAGCTCACCCTCC[A>G]CCGGCTGAAGCTGGCACAGACAGCTGTCACCAACAACACTGCAGCCGCCACAGTCCTGAA-3'
Protein context (NP_001127835.2, residues 91-111): LAQLQAQLTL[His101Arg]RLKLAQTAVT